The following is an entry in ClinVar:

NM_001267550.2(TTN):c.34695G>A (p.Val11565=)

Gene: TTN (titin; minus strand). Cytogenetic location: 2q31.2.
Variant type: single nucleotide variant.
Coding change: c.34695G>A on transcript NM_001267550.2 (MANE Select); coding-DNA position 34695, G replaced by A.
Protein change: p.Val11565=; no amino-acid change (valine 11565 retained).
Molecular consequence: synonymous variant. On other transcripts: intron variant (3).
Genome position (GRCh38, 1-based): chr2:178,674,327, C>T on the plus strand (G>A on the coding strand, the complement: TTN is on the minus strand). VCF-style: chr2-178674327-C-T. GRCh37 (hg19) VCF-style: chr2-179539054-C-T.
Other names: c.33573G>A, p.Val11191= (NM_001256850.1); c.30792G>A, p.Val10264= (NM_133378.4); c.13283-32010G>A (NM_003319.4); c.13859-32010G>A (NM_133437.4); c.13658-32010G>A (NM_133432.3).
Identifiers: ClinVar variation 413101 (VCV000413101.15), dbSNP rs372341590, ClinGen allele CA1998010.
Genomic context (GRCh38, chr2:178,674,327, plus strand): 5'-TGGAACACCAGGAATTTTAAATGTTCAATCCTTAAAAGCGGTTATACCTCTAGGTGGTGC[C>T]ACCTCTTCAACTTCCTCTATGCTAGGTGGTTCTTCTGGGATTTCTTCTTCTGAAATAGGC-3'
Protein context (NP_001254479.2, residues 11555-11575): EPPSIEEVEE[Val11565=]APPRVPEVIK

ClinVar aggregate classification (germline): Conflicting classifications of pathogenicity. Review status: criteria provided, conflicting classifications (1 of 4 stars). 3 submissions from 3 submitters: Uncertain significance (2); Likely benign (1). Last evaluated 2025-10-13.

Conditions:
TTN-related disorder. Also called: TTN-related disorders; TTN-related condition; TTN-related disease.
Autosomal recessive limb-girdle muscular dystrophy type 2J (LGMDR10). Also called: Limb-girdle muscular dystrophy, type 2J; MUSCULAR DYSTROPHY, LIMB-GIRDLE, AUTOSOMAL RECESSIVE 10. Identifiers: Orphanet 140922, MedGen C1837342, MONDO:0012127, OMIM 608807.
Dilated cardiomyopathy 1G (CMD1G). Identifiers: Orphanet 154, MedGen C1858763, MONDO:0011400, OMIM 604145.

Allele frequency attached by ClinVar (database versions not stated): gnomAD exomes below 0.00001; gnomAD 0.00001; ExAC 0.00002; TOPMed 0.00002; ESP Exome Variant Server 0.00008.
gnomAD v4.1: 5 of 1,588,794 alleles (0.00031%); highest among the groups gnomAD compares: Non-Finnish European, 0.00043%; no homozygotes.

Submissions (3):

Labcorp Genetics (formerly Invitae), Labcorp
Classification: Likely benign for Dilated cardiomyopathy 1G; Autosomal recessive limb-girdle muscular dystrophy type 2J. Last evaluated: 2025-10-13. Review status: criteria provided, single submitter. Criteria: Invitae Variant Classification Sherloc (09022015). Collection method: clinical testing. Allele origin: germline.

PreventionGenetics, part of Exact Sciences
Classification: Uncertain significance for TTN-related condition. Last evaluated: 2025-06-13. Review status: criteria provided, single submitter. Criteria: ACMG Guidelines, 2015. Collection method: clinical testing. Allele origin: germline.
Comment: The TTN c.34695G>A variant is not predicted to result in an amino acid change (p.=). This variant is predicted to impact splicing based on splicing prediction programs (SpliceAI, Jaganathan K, et al. 2019. PubMed ID: 30661751). However, the use of computer prediction programs is not equivalent to functional evidence. To our knowledge, this variant has not been reported in the literature. This variant is reported in 0.0010% of alleles in individuals of European (Non-Finnish) descent in gnomAD and has conflicting interpretations regarding its pathogenicity in ClinVar, ranging from likely benign to uncertain. At this time, the clinical significance of this variant is uncertain due to the absence of conclusive functional and genetic evidence.

GeneDx
Classification: Uncertain significance. Last evaluated: 2020-08-20. Review status: criteria provided, single submitter. Criteria: GeneDx Variant Classification Process June 2021. Collection method: clinical testing. Allele origin: germline. Affected: yes.
Comment: Has not been previously published as pathogenic or benign to our knowledge; Not observed at a significant frequency in large population cohorts (Lek et al., 2016); In silico analysis, which includes splice predictors and evolutionary conservation, suggests this variant may impact gene splicing; however, in the absence of RNA/functional studies, the actual effect of this sequence change is unknown; Reported in ClinVar but additional evidence is not available (ClinVar Variant ID#413101; Landrum et al., 2016)